The following is an entry in ClinVar:

GRCh38/hg38 18q21.2(chr18:54276417-55333044)x3

Genes: C18orf54 (chromosome 18 open reading frame 54; plus strand), CCDC68 (coiled-coil domain containing 68; minus strand), DYNAP (dynactin associated protein; plus strand), LINC01929 (long independently transcribed non-coding RNA 1929; minus strand), POLI (DNA polymerase iota; plus strand) and 24 more. Cytogenetic location: 18q21.2.
Variant type: copy number gain.
Change: copy number 3 (three copies instead of two) of chr18:54,276,417-55,333,044 (1.06 Mb, GRCh38 coordinates, 1-based), cytogenetic band 18q21.2.
Identifiers: ClinVar variation 4974709 (VCV004974709.1).

ClinVar aggregate classification (germline): Uncertain significance (1 of 4 stars; one submission).

Submission:

Clinical Genomics Laboratory, Laboratory for Precision Diagnostics, University of Washington
Classification: Uncertain significance. Last evaluated: 2024-12-13. Review status: criteria provided, single submitter. Criteria: ACMG/ClinGen CNV Guidelines, 2019. Collection method: clinical testing. Allele origin: maternal. Affected: yes. Observed: 1 variant allele.